The following is an entry in ClinVar:

ClinVar aggregate classification (germline): Uncertain significance (1 of 4 stars; one submission).

Conditions:
Atrial fibrillation, familial, 6 (ATFB6). Identifiers: MedGen C2677294, MONDO:0012816, OMIM 612201.

Submission:

Labcorp Genetics (formerly Invitae), Labcorp
Classification: Uncertain significance for Atrial fibrillation, familial, 6. Last evaluated: 2022-06-13. Review status: criteria provided, single submitter. Criteria: Invitae Variant Classification Sherloc (09022015). Collection method: clinical testing. Allele origin: germline.
Comment: This sequence change replaces alanine, which is neutral and non-polar, with serine, which is neutral and polar, at codon 70 of the NPPA protein (p.Ala70Ser). This variant is not present in population databases (gnomAD no frequency). This variant has not been reported in the literature in individuals affected with NPPA-related conditions. ClinVar contains an entry for this variant (Variation ID: 642370). Algorithms developed to predict the effect of missense changes on protein structure and function (SIFT, PolyPhen-2, Align-GVGD) all suggest that this variant is likely to be tolerated. In summary, the available evidence is currently insufficient to determine the role of this variant in disease. Therefore, it has been classified as a Variant of Uncertain Significance.

NM_006172.4(NPPA):c.208G>T (p.Ala70Ser)

Genes: NPPA (natriuretic peptide A; minus strand), NPPA-AS1 (NPPA antisense RNA 1; plus strand), LOC114827827 (VISTA enhancer hs2123; plus strand). Cytogenetic location: 1p36.22.
Variant type: single nucleotide variant.
Coding change: c.208G>T on transcript NM_006172.4 (MANE Select); coding-DNA position 208, G replaced by T.
Protein change: p.Ala70Ser; replaces alanine 70 with serine.
Molecular consequence: missense variant.
Genome position (GRCh38, 1-based): chr1:11,847,355, C>A on the plus strand (G>T on the coding strand, the complement: NPPA is on the minus strand). VCF-style: chr1-11847355-C-A. GRCh37 (hg19) VCF-style: chr1-11907412-C-A.
Other names: c.208G>T (LRG_751t1); short protein forms A70S.
Identifiers: ClinVar variation 642370 (VCV000642370.8), dbSNP rs1433555315, ClinGen allele CA338451150.